The following is an entry in ClinVar:

ClinVar aggregate classification (germline): Uncertain significance (1 of 4 stars; one submission).

Conditions:
Inborn genetic diseases. Identifiers: MedGen C0950123, MeSH D030342.

gnomAD v4.1: 2 of 1,613,708 alleles (0.00012%); highest among the groups gnomAD compares: Non-Finnish European, 0.00017%; no homozygotes.

Submission:

Ambry Genetics
Classification: Uncertain significance for Inborn genetic diseases. Last evaluated: 2026-03-30. Review status: criteria provided, single submitter. Criteria: Ambry Variant Classification Scheme 2023. Collection method: clinical testing. Allele origin: germline.
Comment: The p.C944W variant (also known as c.2832C>G), located in coding exon 20 of the LTBP3 gene, results from a C to G substitution at nucleotide position 2832. The cysteine at codon 944 is replaced by tryptophan, an amino acid with highly dissimilar properties. This amino acid position is conserved. In addition, this alteration is predicted to be deleterious by in silico analysis. Based on the available evidence, the clinical significance of this variant remains unclear.

NM_001130144.3(LTBP3):c.2832C>G (p.Cys944Trp)

Gene: LTBP3 (latent transforming growth factor beta binding protein 3; minus strand). Cytogenetic location: 11q13.1.
Variant type: single nucleotide variant.
Coding change: c.2832C>G on transcript NM_001130144.3 (MANE Select); coding-DNA position 2832, C replaced by G.
Protein change: p.Cys944Trp; replaces cysteine 944 with tryptophan.
Molecular consequence: missense variant.
Genome position (GRCh38, 1-based): chr11:65,541,187, G>C on the plus strand (C>G on the coding strand, the complement: LTBP3 is on the minus strand). VCF-style: chr11-65541187-G-C. GRCh37 (hg19) VCF-style: chr11-65308658-G-C.
Other names: c.2481C>G, p.Cys827Trp (NM_001164266.1); c.2832C>G, p.Cys944Trp (NM_021070.4); short protein forms C827W, C944W.
Identifiers: ClinVar variation 4859310 (VCV004859310.1).
Genomic context (GRCh38, chr11:65,541,187, plus strand): 5'-TGAGCTGTAGACTGGGCAGGGGTAGATTTCGCAGTGGTCGCCCCAGCCGGCCCCCAGAGA[G>C]CAGCAGCACTCCTGCTGGGTCACGTTGGTGGCCAATACGCTGTCGCAGAACACTGTGTCA-3'
Protein context (NP_001123616.1, residues 934-954): ATNVTQQECC[Cys944Trp]SLGAGWGDHC